The following is an entry in ClinVar:

ClinVar aggregate classification (germline): Benign/Likely benign. Review status: criteria provided, multiple submitters, no conflicts (2 of 4 stars). 4 submissions from 4 submitters: Benign (2); Likely benign (2). Last evaluated 2024-09-16.

Allele frequency attached by ClinVar (database versions not stated): ESP Exome Variant Server 0.00245; TOPMed 0.00353; 1000 Genomes Project 0.00359; 1000 Genomes Project 30x 0.00359.
gnomAD v4.1: 885 of 1,610,606 alleles (0.055%); highest among the groups gnomAD compares: African/African-American, 1.1%; 4 homozygotes.

Submissions (4):

Blueprint Genetics
Classification: Likely benign. Last evaluated: 2024-09-16. Review status: criteria provided, single submitter. Criteria: ACMG Guidelines, 2015. Collection method: clinical testing. Allele origin: germline.

CeGaT Center for Human Genetics Tuebingen
Classification: Likely benign. Last evaluated: 2023-02-01. Review status: criteria provided, single submitter. Criteria: CeGaT Center For Human Genetics Tuebingen Variant Classification Criteria Version 2. Collection method: clinical testing. Allele origin: germline. Affected: yes. Observed: 1 variant allele.
Comment: PRR12: BS1

Labcorp Genetics (formerly Invitae), Labcorp
Classification: Benign. Last evaluated: 2019-12-31. Review status: criteria provided, single submitter. Criteria: Invitae Variant Classification Sherloc (09022015). Collection method: clinical testing. Allele origin: germline.

Breakthrough Genomics
Classification: Benign. Review status: criteria provided, single submitter. Criteria: ACMG Guidelines, 2015. Collection method: not provided. Allele origin: germline. Inheritance: Autosomal dominant inheritance. Affected: yes.

NM_020719.3(PRR12):c.2147C>G (p.Ala716Gly)

Gene: PRR12 (proline rich 12; plus strand). Cytogenetic location: 19q13.33.
Variant type: single nucleotide variant.
Coding change: c.2147C>G on transcript NM_020719.3 (MANE Select); coding-DNA position 2147, C replaced by G.
Protein change: p.Ala716Gly; replaces alanine 716 with glycine.
Molecular consequence: missense variant.
Genome position (GRCh38, 1-based): chr19:49,596,482, C>G. VCF-style: chr19-49596482-C-G. GRCh37 (hg19) VCF-style: chr19-50099739-C-G.
Other names: short protein forms A716G.
Identifiers: ClinVar variation 784836 (VCV000784836.30), dbSNP rs199785002, ClinGen allele CA9578032.